The following is an entry in ClinVar:

ClinVar aggregate classification (germline): Likely benign (1 of 4 stars; one submission).

Submission:

CeGaT Center for Human Genetics Tuebingen
Classification: Likely benign. Last evaluated: 2026-07-01. Review status: criteria provided, single submitter. Criteria: CeGaT Center For Human Genetics Tuebingen Variant Classification Criteria Version 2. Collection method: clinical testing. Allele origin: germline. Affected: yes. Observed: 1 variant allele.
Comment: SMC1A: PM2:Supporting, BP4, BP7

NM_006306.4(SMC1A):c.711G>A (p.Lys237=)

Gene: SMC1A (structural maintenance of chromosomes 1A; minus strand). Cytogenetic location: Xp11.22.
Variant type: single nucleotide variant.
Coding change: c.711G>A on transcript NM_006306.4 (MANE Select); coding-DNA position 711, G replaced by A.
Protein change: p.Lys237=; no amino-acid change (lysine 237 retained).
Molecular consequence: synonymous variant.
Genome position (GRCh38, 1-based): chrX:53,413,043, C>T on the plus strand (G>A on the coding strand, the complement: SMC1A is on the minus strand). VCF-style: chrX-53413043-C-T. GRCh37 (hg19) VCF-style: chrX-53439993-C-T.
Other names: c.645G>A, p.Lys215= (NM_001281463.1).
Identifiers: ClinVar variation 5039647 (VCV005039647.1).